The following is an entry in ClinVar:

ClinVar aggregate classification (germline): Pathogenic (1 of 4 stars; one submission).

Submission:

Labcorp Genetics (formerly Invitae), Labcorp
Classification: Pathogenic. Last evaluated: 2023-01-25. Review status: criteria provided, single submitter. Criteria: Invitae Variant Classification Sherloc (09022015). Collection method: clinical testing. Allele origin: unknown.
Comment: This variant has not been reported in the literature in individuals affected with ORC4-related conditions. For these reasons, this variant has been classified as Pathogenic. This variant is a gross deletion of the genomic region encompassing exon(s) 8 of the ORC4 gene. This deletion is out-of-frame, and is expected to create a premature termination codon and result in an absent or disrupted protein product. Loss-of-function variants in ORC4 are known to be pathogenic (PMID: 21358631, 21358632, 22333897).

Literature cited by the submitters: PubMed 21358631; PubMed 21358632; PubMed 22333897.

NC_000002.11:g.(?_148709922)_(148710113_?)del

Gene: ORC4 (origin recognition complex subunit 4; minus strand). Cytogenetic location: 2q23.1.
Variant type: Deletion.
Identifiers: ClinVar variation 3247509 (VCV003247509.1).